The following is an entry in ClinVar:

NM_001367624.2(ZNF469):c.5857G>C (p.Gly1953Arg)

Gene: ZNF469 (zinc finger protein 469; plus strand). Cytogenetic location: 16q24.2.
Variant type: single nucleotide variant.
Coding change: c.5857G>C on transcript NM_001367624.2 (MANE Select); coding-DNA position 5857, G replaced by C.
Protein change: p.Gly1953Arg; replaces glycine 1953 with arginine.
Molecular consequence: missense variant.
Genome position (GRCh38, 1-based): chr16:88,433,327, G>C. VCF-style: chr16-88433327-G-C. GRCh37 (hg19) VCF-style: chr16-88499735-G-C.
Other names: NM_001127464.1:c.5773G>C; short protein forms G1953R.
Identifiers: ClinVar variation 1749563 (VCV001749563.2), dbSNP rs774908636, ClinGen allele CA8225110.

ClinVar aggregate classification (germline): Uncertain significance (1 of 4 stars; one submission).

Conditions:
Cardiovascular phenotype. Identifiers: MedGen CN230736.

Allele frequency attached by ClinVar (database versions not stated): gnomAD exomes below 0.00001; gnomAD 0.00002; TOPMed 0.00002; ExAC 0.00006.
gnomAD v4.1: 8 of 1,550,194 alleles (0.00052%); highest among the groups gnomAD compares: East Asian, 0.015%; no homozygotes.

Submission:

Ambry Genetics
Classification: Uncertain significance for Cardiovascular phenotype. Last evaluated: 2021-07-12. Review status: criteria provided, single submitter. Criteria: Ambry Variant Classification Scheme 2023. Collection method: clinical testing. Allele origin: germline.
Comment: The p.G1925R variant (also known as c.5773G>C), located in coding exon 2 of the ZNF469 gene, results from a G to C substitution at nucleotide position 5773. The glycine at codon 1925 is replaced by arginine, an amino acid with dissimilar properties. This amino acid position is conserved. In addition, this alteration is predicted to be tolerated by in silico analysis. Since supporting evidence is limited at this time, the clinical significance of this alteration remains unclear.